The following is an entry in ClinVar:

NM_001199107.2(TBC1D24):c.352del (p.Leu118fs)

Gene: TBC1D24 (TBC1 domain family member 24; plus strand). Cytogenetic location: 16p13.3.
Variant type: Deletion.
Coding change: c.352del on transcript NM_001199107.2 (MANE Select); coding-DNA position 352, one base deleted (C; older notation c.352delC).
Protein change: p.Leu118fs; shifts the reading frame from leucine 118.
Molecular consequence: frameshift variant.
Genome position (GRCh38, 1-based): chr16:2,496,500, C deleted; the last of 2 consecutive C bases (chr16:2,496,499-2,496,500); deleting either gives the same sequence. VCF-style (leftmost placement, unchanged base first): chr16-2496498-TC-T. GRCh37 (hg19) VCF-style: chr16-2546499-TC-T.
Other names: c.352del, p.Leu118fs (NM_020705.3); short protein forms L118fs.
Identifiers: ClinVar variation 1732348 (VCV001732348.2), dbSNP rs2505513372, ClinGen allele CA2580091023.

ClinVar aggregate classification (germline): Pathogenic (1 of 4 stars; one submission).

Conditions:
Inborn genetic diseases. Identifiers: MedGen C0950123, MeSH D030342.

Submission:

Ambry Genetics
Classification: Pathogenic for Inborn genetic diseases. Last evaluated: 2019-05-06. Review status: criteria provided, single submitter. Criteria: Ambry Variant Classification Scheme 2023. Collection method: clinical testing. Allele origin: germline.
Comment: The c.352delC pathogenic mutation, located in coding exon 1 of the TBC1D24 gene, results from a deletion of one nucleotide at nucleotide position 352, causing a translational frameshift with a predicted alternate stop codon (p.L118Sfs*51). This alteration is expected to result in loss of function by premature protein truncation or nonsense-mediated mRNA decay. As such, this alteration is interpreted as a disease-causing mutation.